The following is an entry in ClinVar:

NM_015158.5(KANK1):c.1304A>G (p.Asn435Ser)

Gene: KANK1 (KN motif and ankyrin repeat domains 1; plus strand). Cytogenetic location: 9p24.3.
Variant type: single nucleotide variant.
Coding change: c.1304A>G on transcript NM_015158.5 (MANE Select); coding-DNA position 1304, A replaced by G.
Protein change: p.Asn435Ser; replaces asparagine 435 with serine.
Molecular consequence: missense variant. On other transcripts: non-coding transcript variant (1).
Genome position (GRCh38, 1-based): chr9:712,070, A>G. VCF-style: chr9-712070-A-G. GRCh37 (hg19) VCF-style: chr9-712070-A-G.
Other names: c.1304A>G, p.Asn435Ser (NM_001256877.3, NM_001354331.2, NM_001256876.3 and 2 more transcripts); c.830A>G, p.Asn277Ser (NM_001354333.2, NM_001354335.2, NM_001354336.2 and 9 more transcripts); short protein forms N277S, N435S.
Identifiers: ClinVar variation 2787742 (VCV002787742.3), dbSNP rs2539723943, ClinGen allele CA372747933.

ClinVar aggregate classification (germline): Uncertain significance (1 of 4 stars; one submission).

Submission:

Labcorp Genetics (formerly Invitae), Labcorp
Classification: Uncertain significance. Last evaluated: 2023-04-12. Review status: criteria provided, single submitter. Criteria: Invitae Variant Classification Sherloc (09022015). Collection method: clinical testing. Allele origin: germline.
Comment: Advanced modeling of protein sequence and biophysical properties (such as structural, functional, and spatial information, amino acid conservation, physicochemical variation, residue mobility, and thermodynamic stability) performed at Invitae indicates that this missense variant is not expected to disrupt KANK1 protein function. In summary, the available evidence is currently insufficient to determine the role of this variant in disease. Therefore, it has been classified as a Variant of Uncertain Significance. This variant is not present in population databases (gnomAD no frequency). This sequence change replaces asparagine, which is neutral and polar, with serine, which is neutral and polar, at codon 435 of the KANK1 protein (p.Asn435Ser). This variant has not been reported in the literature in individuals affected with KANK1-related conditions.